The following is an entry in ClinVar:

NM_000719.7(CACNA1C):c.5344G>C (p.Ala1782Pro)

Genes: CACNA1C (calcium voltage-gated channel subunit alpha1 C; plus strand), CACNA1C-AS1 (CACNA1C antisense RNA 1; minus strand). Cytogenetic location: 12p13.33.
Variant type: single nucleotide variant.
Coding change: c.5344G>C on transcript NM_000719.7 (MANE Select); coding-DNA position 5344, G replaced by C.
Protein change: p.Ala1782Pro; replaces alanine 1782 with proline.
Molecular consequence: missense variant.
Genome position (GRCh38, 1-based): chr12:2,679,696, G>C. VCF-style: chr12-2679696-G-C. GRCh37 (hg19) VCF-style: chr12-2788862-G-C.
Other names: c.5488G>C, p.Ala1830Pro (NM_001129827.2, NM_199460.4); c.5467G>C, p.Ala1823Pro (NM_001129829.2); c.5344G>C, p.Ala1782Pro (NM_001129830.3, NM_001129840.2, NM_001129841.2 and 4 more transcripts); c.5428G>C, p.Ala1810Pro (NM_001129831.2); c.5404G>C, p.Ala1802Pro (NM_001129832.2); c.5401G>C, p.Ala1801Pro (NM_001129833.2, NM_001129834.2, NM_001129835.2); c.5395G>C, p.Ala1799Pro (NM_001129836.2); c.5368G>C, p.Ala1790Pro (NM_001129837.2, NM_001129838.2); and 3 more; short protein forms A1779P, A1782P, A1799P, A1810P, A1830P, A1771P, A1801P, A1823P.
Identifiers: ClinVar variation 1376435 (VCV001376435.8), dbSNP rs750078053, ClinGen allele CA383379008.

ClinVar aggregate classification (germline): Uncertain significance (1 of 4 stars; one submission).

Conditions:
Long QT syndrome (LQTS). Identifiers: MedGen C0023976, MeSH D008133, MONDO:0002442. Disease mechanism: loss of function. Inheritance: Various modes of inheritance.

Submission:

Labcorp Genetics (formerly Invitae), Labcorp
Classification: Uncertain significance for Long QT syndrome. Last evaluated: 2021-03-01. Review status: criteria provided, single submitter. Criteria: Invitae Variant Classification Sherloc (09022015). Collection method: clinical testing. Allele origin: germline.
Comment: This variant is not present in population databases (ExAC no frequency). This sequence change replaces alanine with proline at codon 1782 of the CACNA1C protein (p.Ala1782Pro). The alanine residue is weakly conserved and there is a small physicochemical difference between alanine and proline. In summary, the available evidence is currently insufficient to determine the role of this variant in disease. Therefore, it has been classified as a Variant of Uncertain Significance. Algorithms developed to predict the effect of missense changes on protein structure and function (SIFT, PolyPhen-2, Align-GVGD) all suggest that this variant is likely to be tolerated, but these predictions have not been confirmed by published functional studies and their clinical significance is uncertain. This variant has not been reported in the literature in individuals with CACNA1C-related conditions.